The following is an entry in ClinVar:

ClinVar aggregate classification (germline): Likely pathogenic (1 of 4 stars; one submission).

Conditions:
Metachromatic leukodystrophy (MLD). Also called: ARSA DEFICIENCY; CEREBROSIDE SULFATASE DEFICIENCY; METACHROMATIC LEUKOENCEPHALOPATHY; SULFATIDE LIPIDOSIS; Cerebral sclerosis diffuse metachromatic form; Arylsulfatase A Deficiency. Identifiers: Orphanet 512, MedGen C0023522, MONDO:0018868, OMIM 250100.

Submission:

Myriad Genetics, Inc.
Classification: Likely pathogenic for Metachromatic leukodystrophy. Last evaluated: 2022-02-04. Review status: criteria provided, single submitter. Criteria: Myriad Women's Health Autosomal Recessive and X-Linked Classification Criteria (2021). Collection method: clinical testing. Allele origin: unknown.
Comment: NM_000487.5(ARSA):c.730_731delTC(S244Rfs*30) is expected to be pathogenic in the context of metachromatic leukodystrophy. This variant is predicted to lead to an abnormal or absent protein product due to the creation of a premature termination codon in ARSA, a gene where loss-of-function variants are known to be pathogenic. Please note: this variant was assessed in the context of healthy population screening.

NM_000487.6(ARSA):c.730_731del (p.Ser244fs)

Gene: ARSA (arylsulfatase A; minus strand). Cytogenetic location: 22q13.33.
Variant type: Deletion.
Coding change: c.730_731del on transcript NM_000487.6 (MANE Select); coding-DNA positions 730 to 731, 2 bases deleted (TC; older notation c.730_731delTC).
Protein change: p.Ser244fs; shifts the reading frame from serine 244.
Molecular consequence: frameshift variant.
Genome position (GRCh38, 1-based): chr22:50,626,714-50,626,715, GA deleted on the plus strand (TC on the coding strand, the reverse complement: ARSA is on the minus strand). VCF-style (leftmost placement, unchanged base first): chr22-50626713-TGA-T. GRCh37 (hg19) VCF-style: chr22-51065141-TGA-T.
Other names: c.730_731del, p.Ser244fs (NM_001085425.3, NM_001085426.3, NM_001085427.3); c.472_473del, p.Ser158fs (NM_001085428.3, NM_001362782.2); short protein forms S158fs, S244fs.
Identifiers: ClinVar variation 1724287 (VCV001724287.2), dbSNP rs2518329977, ClinGen allele CA2580099956.